The following is an entry in ClinVar:

ClinVar aggregate classification (germline): Pathogenic/Likely pathogenic. Review status: criteria provided, multiple submitters, no conflicts (2 of 4 stars). 3 submissions from 3 submitters: Pathogenic (1); Likely pathogenic (2). Last evaluated 2023-12-11.

Conditions:
COL4A5-related disorders.

Submissions (3):

GeneDx
Classification: Pathogenic. Last evaluated: 2023-12-11. Review status: criteria provided, single submitter. Criteria: GeneDx Variant Classification Process June 2021. Collection method: clinical testing. Allele origin: germline. Affected: yes.
Comment: Affects a glycine residue in a Gly-X-Y motif in the triple helical region of the [COL4A_] gene, where the majority of pathogenic missense variants occur, and is predicted to disrupt normal protein folding and function (HGMD; PMID: 10752524); Not observed at significant frequency in large population cohorts (gnomAD); In silico analysis supports that this missense variant has a deleterious effect on protein structure/function; Has not been previously published as pathogenic or benign to our knowledge; This variant is associated with the following publications: (PMID: 10752524)

Athena Diagnostics
Classification: Likely pathogenic. Last evaluated: 2023-02-13. Review status: criteria provided, single submitter. Criteria: Athena Diagnostics Criteria. Collection method: clinical testing. Allele origin: unknown.
Comment: This variant has not been reported in large, multi-ethnic general populations. This variant alters a critical location within the protein, and is expected to severely affect function and cause disease.

Blueprint Genetics
Classification: Likely pathogenic for COL4A5-related disorders. Last evaluated: 2021-12-09. Review status: criteria provided, single submitter. Criteria: ACMG Guidelines, 2015. Collection method: clinical testing. Allele origin: germline. Affected: yes. Observed: 1 variant allele.

NM_033380.3(COL4A5):c.1895G>T (p.Gly632Val)

Gene: COL4A5 (collagen type IV alpha 5 chain; plus strand). Cytogenetic location: Xq22.3.
Variant type: single nucleotide variant.
Coding change: c.1895G>T on transcript NM_033380.3 (MANE Select); coding-DNA position 1895, G replaced by T.
Protein change: p.Gly632Val; replaces glycine 632 with valine.
Molecular consequence: missense variant.
Genome position (GRCh38, 1-based): chrX:108,598,817, G>T. VCF-style: chrX-108598817-G-T. GRCh37 (hg19) VCF-style: chrX-107842047-G-T.
Other names: c.1895G>T, p.Gly632Val (NM_000495.5); short protein forms G632V.
Identifiers: ClinVar variation 2684109 (VCV002684109.4), dbSNP rs104886145, ClinGen allele CA413845826.